The following is an entry in ClinVar:

NM_000020.3(ACVRL1):c.500C>G (p.Ser167Cys)

Gene: ACVRL1 (activin A receptor like type 1; plus strand). Cytogenetic location: 12q13.13.
Variant type: single nucleotide variant.
Coding change: c.500C>G on transcript NM_000020.3 (MANE Select); coding-DNA position 500, C replaced by G.
Protein change: p.Ser167Cys; replaces serine 167 with cysteine.
Molecular consequence: missense variant.
Genome position (GRCh38, 1-based): chr12:51,913,745, C>G. VCF-style: chr12-51913745-C-G. GRCh37 (hg19) VCF-style: chr12-52307529-C-G.
Other names: NM_000020.3(ACVRL1):c.500C>G; p.Ser167Cys; c.500C>G, p.Ser167Cys (NM_001406488.1, NM_001406489.1, NM_001077401.2 and 1 more transcripts); short protein forms S167C.
Identifiers: ClinVar variation 1744752 (VCV001744752.7), dbSNP rs2540160946, ClinGen allele CA384899215.
Genomic context (GRCh38, chr12:51,913,745, plus strand): 5'-AGGAGAAGCAGCGTGGCCTGCACAGCGAGCTGGGAGAGTCCAGTCTCATCCTGAAAGCAT[C>G]TGAGCAGGGCGACAGCATGTTGGGGGTATGGGCCTGGGGACCTGGGACACAGGGTGTAGG-3'
Protein context (NP_000011.2, residues 157-177): LGESSLILKA[Ser167Cys]EQGDSMLGDL

ClinVar aggregate classification (germline): Uncertain significance. Review status: reviewed by expert panel (3 of 4 stars). 3 submissions from 3 submitters: Uncertain significance (1). 2 of the submissions do not count toward it. Last evaluated 2024-03-15.

Conditions:
Telangiectasia, hereditary hemorrhagic, type 2 (HHT2). Also called: ACVRL1-Related Hereditary Hemorrhagic Telangiectasia; Telangiectasia, hereditary hemorrhagic, type II. Identifiers: Orphanet 774, MedGen C1838163, MONDO:0010880, OMIM 600376. Disease mechanism: loss of function.
Cardiovascular phenotype. Identifiers: MedGen CN230736.

Submissions (3):

ClinGen Hereditary Hemorrhagic Telangiectasia Variant Curation Expert Panel, ClinGen
Classification: Uncertain significance for Telangiectasia, hereditary hemorrhagic, type 2. Last evaluated: 2024-03-15. Review status: reviewed by expert panel. Criteria: ClinGen HHT ACMG Specifications ACVRL1 V1.1.0. Collection method: curation. Allele origin: germline. Inheritance: Autosomal dominant inheritance.
Comment: The NM_000020.3: c.500C>G variant in ACVRL1 is a missense variant predicted to cause substitution of serine by cysteine at amino acid 167 (p.Ser167Cys). This variant is absent from gnomAD v2.1.1 (PM2_Supporting). This variant has been reported in a proband with a phenotype consistent of HHT (PS4_Supporting; PMID: 32300199, Internal lab contributors). The computational splicing predictor SpliceAI gives a score of 0.84 for donor loss, predicting that the variant disrupts the donor splice site of intron 4 of ACVRL1 (PP3). In summary, this variant meets the criteria to be classified as a variant of uncertain significance for autosomal dominant hereditary hemorrhagic telangiectasia based on the ACMG/AMP criteria applied, as specified by the ClinGen Hereditary Hemorrhagic Telangiectasia Variant Curation Expert Panel: PM2_Supporting, PS4_Supporting, PP3 (specification version 1.0.0; 1/4/2024).

Labcorp Genetics (formerly Invitae), Labcorp
Classification: Likely pathogenic for Telangiectasia, hereditary hemorrhagic, type 2. Last evaluated: 2022-09-19. Review status: criteria provided, single submitter. Criteria: Invitae Variant Classification Sherloc (09022015). Collection method: clinical testing. Allele origin: germline. Not counted in ClinVar's aggregate classification.
Comment: This missense change has been observed in individuals with hereditary hemorrhagic telangiectasia (PMID: 32300199; Invitae). Advanced modeling of protein sequence and biophysical properties (such as structural, functional, and spatial information, amino acid conservation, physicochemical variation, residue mobility, and thermodynamic stability) performed at Invitae indicates that this missense variant is expected to disrupt ACVRL1 protein function. Algorithms developed to predict the effect of sequence changes on RNA splicing suggest that this variant may disrupt the consensus splice site. In summary, the currently available evidence indicates that the variant is pathogenic, but additional data are needed to prove that conclusively. Therefore, this variant has been classified as Likely Pathogenic. This variant is not present in population databases (gnomAD no frequency). This sequence change replaces serine, which is neutral and polar, with cysteine, which is neutral and slightly polar, at codon 167 of the ACVRL1 protein (p.Ser167Cys).

Ambry Genetics
Classification: Uncertain significance for Cardiovascular phenotype. Last evaluated: 2018-02-28. Review status: criteria provided, single submitter. Criteria: Ambry Variant Classification Scheme 2023. Collection method: clinical testing. Allele origin: germline. Not counted in ClinVar's aggregate classification.
Comment: The p.S167C variant (also known as c.500C>G), located in coding exon 3 of the ACVRL1 gene, results from a C to G substitution at nucleotide position 500. The serine at codon 167 is replaced by cysteine, an amino acid with dissimilar properties. This variant was identified in one individual with a clinical diagnosis of hererditary hemorrhagic telangiectasia (Gedge F et al. J Mol Diagn, 2007 Apr;9:258-65). This amino acid position is highly conserved in available vertebrate species. In addition, the in silico prediction for this alteration is inconclusive. Based on available evidence to date, the clinical significance of this alteration remains unclear.

Literature cited by the submitters: PubMed 32300199 (cited by Labcorp Genetics (formerly Invitae), Labcorp); PubMed 17384219 (cited by Ambry Genetics).